The following is an entry in ClinVar:

ClinVar aggregate classification (germline): Likely pathogenic (1 of 4 stars; one submission).

Conditions:
Menkes kinky-hair syndrome (MNK). Also called: Copper transport disease; Classic Menkes Disease; Menkes Disease. Identifiers: Orphanet 565, MedGen C0022716, MONDO:0010651, OMIM 309400.

Submission:

Myriad Genetics, Inc.
Classification: Likely pathogenic for Menkes kinky-hair syndrome. Last evaluated: 2022-03-08. Review status: criteria provided, single submitter. Criteria: Myriad Autosomal Dominant, Autosomal Recessive and X-Linked Classification Criteria (2023). Collection method: clinical testing. Allele origin: unknown.
Comment: NM_000052.5(ATP7A):c.2207delA(Y736Lfs*4) is expected to be pathogenic in the context of ATP7A-related disorders. This variant is predicted to lead to an abnormal or absent protein product due to the creation of a premature termination codon in ATP7A, a gene where loss-of-function variants are known to be pathogenic. Please note: this variant was assessed in the context of healthy population screening.

NM_000052.7(ATP7A):c.2207del (p.Tyr736fs)

Gene: ATP7A (ATPase copper transporting alpha; plus strand). Cytogenetic location: Xq21.1.
Variant type: Deletion.
Coding change: c.2207del on transcript NM_000052.7 (MANE Select); coding-DNA position 2207, one base deleted (A; older notation c.2207delA).
Protein change: p.Tyr736fs; shifts the reading frame from tyrosine 736.
Molecular consequence: frameshift variant. On other transcripts: intron variant (1).
Genome position (GRCh38, 1-based): chrX:78,012,913, A deleted. VCF-style (leftmost placement, unchanged base first): chrX-78012912-TA-T. GRCh37 (hg19) VCF-style: chrX-77268409-TA-T.
Other names: c.2172+1239del (NM_001282224.2); short protein forms Y736fs.
Identifiers: ClinVar variation 1725124 (VCV001725124.3), dbSNP rs2522354463, ClinGen allele CA2580101504.
Genomic context (GRCh38, chrX:78,012,912, plus strand): 5'-TCAATGATTATCATTCCTATATTGCAGTTTTTCGGAGGCTGGTACTTCTACATTCAGGCT[TA>T]TAAAGCACTGAAGCATAAGACAGCAAATATGGACGTACTGATTGTGCTGGCAACCACCAT-3'